The following is an entry in ClinVar:

NM_017999.5(RNF31):c.3205C>T (p.Arg1069Cys)

Gene: RNF31 (ring finger protein 31; plus strand). Cytogenetic location: 14q12.
Variant type: single nucleotide variant.
Coding change: c.3205C>T on transcript NM_017999.5 (MANE Select); coding-DNA position 3205, C replaced by T.
Protein change: p.Arg1069Cys; replaces arginine 1069 with cysteine.
Molecular consequence: missense variant.
Genome position (GRCh38, 1-based): chr14:24,160,559, C>T. VCF-style: chr14-24160559-C-T. GRCh37 (hg19) VCF-style: chr14-24629768-C-T.
Other names: c.2752C>T, p.Arg918Cys (NM_001310332.2); short protein forms R1069C, R918C.
Identifiers: ClinVar variation 2181923 (VCV002181923.5), dbSNP rs570337131, ClinGen allele CA7126306.
Genomic context (GRCh38, chr14:24,160,559, plus strand): 5'-ACCTTCTCTCTCCTTCTGCAGAAGCTGACAGAAGAGGTACCCTTGGGACAGAGTATCCCC[C>T]GCAGGCGGAAGTAGCTGAGGGCAAGGGTCCCGATGAGGGTCCCATGGCCTGCTCCCTCAG-3'
Protein context (NP_060469.4, residues 1059-1072): EEVPLGQSIP[Arg1069Cys]RRK

ClinVar aggregate classification (germline): Uncertain significance. Review status: criteria provided, multiple submitters, no conflicts (2 of 4 stars). 2 submissions from 2 submitters: Uncertain significance (2). Last evaluated 2025-02-03.

Allele frequency attached by ClinVar (database versions not stated): ExAC 0.00001; TOPMed 0.00002; gnomAD 0.00003; 1000 Genomes Project 30x 0.00016; 1000 Genomes Project 0.00020.
gnomAD v4.1: 12 of 1,535,932 alleles (0.00078%); highest among the groups gnomAD compares: African/African-American, 0.0041%; no homozygotes.

Submissions (2):

Labcorp Genetics (formerly Invitae), Labcorp
Classification: Uncertain significance. Last evaluated: 2025-02-03. Review status: criteria provided, single submitter. Criteria: Invitae Variant Classification Sherloc (09022015). Collection method: clinical testing. Allele origin: germline.
Comment: This sequence change replaces arginine, which is basic and polar, with cysteine, which is neutral and slightly polar, at codon 1069 of the RNF31 protein (p.Arg1069Cys). The frequency data for this variant in the population databases is considered unreliable, as metrics indicate poor data quality at this position in the gnomAD database. This variant has not been reported in the literature in individuals affected with RNF31-related conditions. ClinVar contains an entry for this variant (Variation ID: 2181923). An algorithm developed to predict the effect of missense changes on protein structure and function (PolyPhen-2) suggests that this variant is likely to be disruptive. In summary, the available evidence is currently insufficient to determine the role of this variant in disease. Therefore, it has been classified as a Variant of Uncertain Significance.

Blueprint Genetics
Classification: Uncertain significance. Last evaluated: 2020-08-21. Review status: criteria provided, single submitter. Criteria: ACMG Guidelines, 2015. Collection method: clinical testing. Allele origin: germline.